The following is an entry in ClinVar:

ClinVar aggregate classification (germline): Likely pathogenic (1 of 4 stars; one submission).

Conditions:
Fabry disease. Also called: ALPHA-GALACTOSIDASE A DEFICIENCY; ANDERSON-FABRY DISEASE; CERAMIDE TRIHEXOSIDASE DEFICIENCY; GLA DEFICIENCY; HEREDITARY DYSTOPIC LIPIDOSIS; Angiokeratoma corporis diffusum. Identifiers: Orphanet 324, MedGen C0002986, MONDO:0010526, OMIM 301500, HP:0001071. Disease mechanism: Fabry disease is due to inactivating mutations in the X-linked GLA gene resulting in deficiency of the enzyme Alpha Galactosidase-A., loss of function.

Submission:

Genomenon, Inc
Classification: Likely pathogenic for Fabry disease. Last evaluated: 2026-09-08. Review status: criteria provided, single submitter. Criteria: Genomenon Sequence Variant Interpretation Standards - Updated. Collection method: curation. Allele origin: germline. Affected: yes.
Comment: GLA p.Met72Arg (c.215T>G) is a missense variant that changes the amino acid at codon 72 from Methionine to Arginine. This variant has been observed in at least one proband with clinical features consistent with Fabry disease (PMID:17206462). At least one functional study has demonstrated a substantial alteration in protein function relative to the wild-type (PMID:27657681). It is absent or not present at a significant frequency in gnomAD. In silico models predict that this variant is possibly or probably damaging. In conclusion, we classify GLA p.Met72Arg (c.215T>G) as a likely pathogenic variant.

Literature cited by the submitters: PubMed 17206462; PubMed 27657681.

NM_000169.3(GLA):c.215T>G (p.Met72Arg)

Genes: GLA (galactosidase alpha; minus strand), RPL36A-HNRNPH2 (RPL36A-HNRNPH2 readthrough; plus strand). Cytogenetic location: Xq22.1.
Variant type: single nucleotide variant.
Coding change: c.215T>G on transcript NM_000169.3 (MANE Select); coding-DNA position 215, T replaced by G.
Protein change: p.Met72Arg; replaces methionine 72 with arginine.
Molecular consequence: missense variant. On other transcripts: non-coding transcript variant (3), intron variant (2).
Genome position (GRCh38, 1-based): chrX:101,403,965, A>C on the plus strand (T>G on the coding strand, the complement: GLA is on the minus strand). VCF-style: chrX-101403965-A-C. GRCh37 (hg19) VCF-style: chrX-100658953-A-C.
Other names: c.338T>G, p.Met113Arg (NM_001406747.1, NM_001406749.1); c.215T>G, p.Met72Arg (NM_001406748.1); c.301-7971A>C (NM_001199973.2); c.178-7971A>C (NM_001199974.2); short protein forms M113R, M72R.
Identifiers: ClinVar variation 4087304 (VCV004087304.2).